The following is an entry in ClinVar:

NM_003482.4(KMT2D):c.1787C>A (p.Ala596Glu)

Gene: KMT2D (lysine methyltransferase 2D; minus strand). Cytogenetic location: 12q13.12.
Variant type: single nucleotide variant.
Coding change: c.1787C>A on transcript NM_003482.4 (MANE Select); coding-DNA position 1787, C replaced by A.
Protein change: p.Ala596Glu; replaces alanine 596 with glutamic acid.
Molecular consequence: missense variant.
Genome position (GRCh38, 1-based): chr12:49,051,896, G>T on the plus strand (C>A on the coding strand, the complement: KMT2D is on the minus strand). VCF-style: chr12-49051896-G-T. GRCh37 (hg19) VCF-style: chr12-49445679-G-T.
Other names: short protein forms A596E.
Identifiers: ClinVar variation 1254178 (VCV001254178.2), dbSNP rs2120678453, ClinGen allele CA384673032.

ClinVar aggregate classification (germline): Uncertain significance (1 of 4 stars; one submission).

Allele frequency attached by ClinVar (database versions not stated): gnomAD exomes below 0.00001.
gnomAD v4.1: 1 of 1,610,076 alleles (0.000062%); highest among the groups gnomAD compares: African/African-American, 0.0014%; no homozygotes.

Submission:

GeneDx
Classification: Uncertain significance. Last evaluated: 2021-03-09. Review status: criteria provided, single submitter. Criteria: GeneDx Variant Classification Process June 2021. Collection method: clinical testing. Allele origin: germline. Affected: yes.
Comment: Not observed in large population cohorts (Lek et al., 2016); In silico analysis supports that this missense variant does not alter protein structure/function; Has not been previously published as pathogenic or benign to our knowledge